The following is an entry in ClinVar:

ClinVar aggregate classification (germline): Likely pathogenic (1 of 4 stars; one submission).

Submission:

Labcorp Genetics (formerly Invitae), Labcorp
Classification: Likely pathogenic. Last evaluated: 2024-12-02. Review status: criteria provided, single submitter. Criteria: Invitae Variant Classification Sherloc (09022015). Collection method: clinical testing. Allele origin: germline.
Comment: This variant results in the deletion of part of exon 19 (c.4090_4111+398del) of the LRP5 gene. It is expected to disrupt RNA splicing. Variants that disrupt the donor or acceptor splice site typically lead to a loss of protein function (PMID: 16199547), and loss-of-function variants in LRP5 are known to be pathogenic (PMID: 11719191, 16252235, 25711638). This variant is not present in population databases (gnomAD no frequency). This variant has not been reported in the literature in individuals affected with LRP5-related conditions. ClinVar contains an entry for this variant (Variation ID: 850859). In summary, the currently available evidence indicates that the variant is pathogenic, but additional data are needed to prove that conclusively. Therefore, this variant has been classified as Likely Pathogenic.

Literature cited by the submitters: PubMed 16199547; PubMed 11719191; PubMed 16252235; PubMed 25711638.

NM_002335.4(LRP5):c.4090_4111+398del

Gene: LRP5 (LDL receptor related protein 5; plus strand). Cytogenetic location: 11q13.2.
Variant type: Deletion.
Coding change: c.4090_4111+398del on transcript NM_002335.4 (MANE Select); coding-DNA position 4090 through 398 bases into the intron after coding-DNA position 4111, 420 bases deleted.
Molecular consequence: splice donor variant.
Genome position (GRCh38, 1-based): chr11:68,436,978-68,437,397, 420 bases deleted. GRCh37 (hg19): chr11:68,204,446-68,204,865.
Other names: c.2347_2368+398del (NM_001291902.2).
Identifiers: ClinVar variation 850859 (VCV000850859.9), dbSNP rs2098675378, ClinGen allele CA916083253.